The following is an entry in ClinVar:

ClinVar aggregate classification (germline): Pathogenic (1 of 4 stars; one submission).

Submission:

CeGaT Center for Human Genetics Tuebingen
Classification: Pathogenic. Last evaluated: 2025-07-01. Review status: criteria provided, single submitter. Criteria: CeGaT Center For Human Genetics Tuebingen Variant Classification Criteria Version 2. Collection method: clinical testing. Allele origin: germline. Affected: yes. Observed: 3 variant alleles.
Comment: HGSNAT: PVS1, PM2, PM3:Supporting

NM_152419.3(HGSNAT):c.1361del (p.Gln454fs)

Gene: HGSNAT (heparan-alpha-glucosaminide N-acetyltransferase; plus strand). Cytogenetic location: 8p11.21.
Variant type: Deletion.
Coding change: c.1361del on transcript NM_152419.3 (MANE Select); coding-DNA position 1361, one base deleted (A; older notation c.1361delA).
Protein change: p.Gln454fs; shifts the reading frame from glutamine 454.
Molecular consequence: frameshift variant.
Genome position (GRCh38, 1-based): chr8:43,192,414, A deleted. VCF-style (leftmost placement, unchanged base first): chr8-43192413-CA-C. GRCh37 (hg19) VCF-style: chr8-43047556-CA-C.
Other names: c.1361del, p.Gln454fs (NM_001363227.2); c.1169del, p.Gln390fs (NM_001363228.2); c.497del, p.Gln166fs (NM_001363229.2); short protein forms Q166fs, Q390fs, Q454fs.
Identifiers: ClinVar variation 3905869 (VCV003905869.10).